The following is an entry in ClinVar:

NM_015072.5(TTLL5):c.1186+1G>A

Gene: TTLL5 (tubulin tyrosine ligase like 5; plus strand). Cytogenetic location: 14q24.3.
Variant type: single nucleotide variant.
Coding change: c.1186+1G>A on transcript NM_015072.5 (MANE Select); the canonical splice donor site of the intron after coding-DNA position 1186, G replaced by A.
Molecular consequence: splice donor variant.
Genome position (GRCh38, 1-based): chr14:75,734,051, G>A. VCF-style: chr14-75734051-G-A. GRCh37 (hg19) VCF-style: chr14-76200394-G-A.
Identifiers: ClinVar variation 2036523 (VCV002036523.4), dbSNP rs1194072973, ClinGen allele CA390461594.

ClinVar aggregate classification (germline): Likely pathogenic (1 of 4 stars; one submission).

Allele frequency attached by ClinVar (database versions not stated): TOPMed below 0.00001.

Submission:

Labcorp Genetics (formerly Invitae), Labcorp
Classification: Likely pathogenic. Last evaluated: 2024-04-24. Review status: criteria provided, single submitter. Criteria: Invitae Variant Classification Sherloc (09022015). Collection method: clinical testing. Allele origin: germline.
Comment: This sequence change affects a donor splice site in intron 14 of the TTLL5 gene. It is expected to disrupt RNA splicing. Variants that disrupt the donor or acceptor splice site typically lead to a loss of protein function (PMID: 16199547), and loss-of-function variants in TTLL5 are known to be pathogenic (PMID: 24791901, 27162334). This variant is not present in population databases (gnomAD no frequency). This variant has not been reported in the literature in individuals affected with TTLL5-related conditions. ClinVar contains an entry for this variant (Variation ID: 2036523). Algorithms developed to predict the effect of sequence changes on RNA splicing suggest that this variant may disrupt the consensus splice site. In summary, the currently available evidence indicates that the variant is pathogenic, but additional data are needed to prove that conclusively. Therefore, this variant has been classified as Likely Pathogenic.

Literature cited by the submitters: PubMed 16199547; PubMed 24791901; PubMed 27162334.